The following is an entry in ClinVar:

NM_000540.3(RYR1):c.9619G>A (p.Glu3207Lys)

Gene: RYR1 (ryanodine receptor 1; plus strand). Cytogenetic location: 19q13.2.
Variant type: single nucleotide variant.
Coding change: c.9619G>A on transcript NM_000540.3 (MANE Select); coding-DNA position 9619, G replaced by A.
Protein change: p.Glu3207Lys; replaces glutamic acid 3207 with lysine.
Molecular consequence: missense variant.
Genome position (GRCh38, 1-based): chr19:38,516,151, G>A. VCF-style: chr19-38516151-G-A. GRCh37 (hg19) VCF-style: chr19-39006791-G-A.
Other names: NM_000540.3(RYR1):c.9619G>A; p.Glu3207Lys; c.9619G>A, p.Glu3207Lys (NM_001042723.2); short protein forms E3207K.
Identifiers: ClinVar variation 1442314 (VCV001442314.8), dbSNP rs2145677238, ClinGen allele CA405690373.

ClinVar aggregate classification (germline): Uncertain significance. Review status: criteria provided, multiple submitters, no conflicts (2 of 4 stars). 2 submissions from 2 submitters: Uncertain significance (2). Last evaluated 2024-07-30.

Conditions:
RYR1-related disorder. Also called: RYR1-related condition; RYR1-related disorders. Identifiers: MedGen CN239331.
RYR1-related myopathy. Identifiers: Orphanet 98742, MedGen CN305348, MONDO:0100150.

Submissions (2):

Labcorp Genetics (formerly Invitae), Labcorp
Classification: Uncertain significance for RYR1-related disorder. Last evaluated: 2024-07-30. Review status: criteria provided, single submitter. Criteria: Invitae Variant Classification Sherloc (09022015). Collection method: clinical testing. Allele origin: germline.
Comment: This sequence change replaces glutamic acid, which is acidic and polar, with lysine, which is basic and polar, at codon 3207 of the RYR1 protein (p.Glu3207Lys). This variant is not present in population databases (gnomAD no frequency). This variant has not been reported in the literature in individuals affected with RYR1-related conditions. ClinVar contains an entry for this variant (Variation ID: 1442314). Advanced modeling of protein sequence and biophysical properties (such as structural, functional, and spatial information, amino acid conservation, physicochemical variation, residue mobility, and thermodynamic stability) performed at Invitae indicates that this missense variant is expected to disrupt RYR1 protein function with a positive predictive value of 95%. In summary, the available evidence is currently insufficient to determine the role of this variant in disease. Therefore, it has been classified as a Variant of Uncertain Significance.

Broad Center for Mendelian Genomics, Broad Institute of MIT and Harvard
Classification: Uncertain significance for RYR1-related myopathy. Last evaluated: 2023-01-25. Review status: criteria provided, single submitter. Criteria: ACMG Guidelines, 2015. Collection method: curation. Allele origin: germline. Inheritance: Autosomal recessive inheritance.
Comment: The p.Glu3207Lys variant in RYR1 has not been previously reported in the literature in individuals with RYR1-related myopathy. This variant was absent from large population studies. This variant has also been reported in ClinVar (Variation ID: 1442314) and has been classified as a variant of uncertain significance by Invitae. Computational prediction tools and conservation analyses suggest that this variant may impact the protein, though this information is not predictive enough to determine pathogenicity. In summary, the clinical significance of the p.Glu3207Lys variant is uncertain. ACMG/AMP Criteria applied: PM2_Supporting, PP3 (Richards 2015).